The following is an entry in ClinVar:

ClinVar aggregate classification (germline): Uncertain significance (1 of 4 stars; one submission).

Conditions:
Ehlers-Danlos syndrome, classic type, 1 (EDSCL1). Also called: EHLERS-DANLOS SYNDROME, GRAVIS TYPE; EHLERS-DANLOS SYNDROME, SEVERE CLASSIC TYPE; Ehlers-Danlos syndrome, type 1; Ehlers-Danlos Syndrome, Classic Type, COL5A1-Related; EDS I. Identifiers: MedGen C0268335, MONDO:0019567, OMIM 130000.

Allele frequency attached by ClinVar (database versions not stated): gnomAD exomes 0.00001 and 0.00002; ExAC 0.00001; TOPMed 0.00004; gnomAD 0.00005; ESP Exome Variant Server 0.00008.
gnomAD v4.1: 35 of 1,613,312 alleles (0.0022%); highest among the groups gnomAD compares: African/African-American, 0.004%; no homozygotes.

Submission:

Labcorp Genetics (formerly Invitae), Labcorp
Classification: Uncertain significance for Ehlers-Danlos syndrome, classic type, 1. Last evaluated: 2025-06-14. Review status: criteria provided, single submitter. Criteria: Invitae Variant Classification Sherloc (09022015). Collection method: clinical testing. Allele origin: germline.
Comment: This sequence change affects codon 678 of the COL5A1 mRNA. It is a 'silent' change, meaning that it does not change the encoded amino acid sequence of the COL5A1 protein. It affects a nucleotide within the consensus splice site. This variant is present in population databases (rs373100663, gnomAD 0.003%). This variant has not been reported in the literature in individuals affected with COL5A1-related conditions. ClinVar contains an entry for this variant (Variation ID: 1518229). Algorithms developed to predict the effect of sequence changes on RNA splicing suggest that this variant is not likely to affect RNA splicing. In summary, the available evidence is currently insufficient to determine the role of this variant in disease. Therefore, it has been classified as a Variant of Uncertain Significance.

NM_000093.5(COL5A1):c.2034C>T (p.Pro678=)

Gene: COL5A1 (collagen type V alpha 1 chain; plus strand). Cytogenetic location: 9q34.3.
Variant type: single nucleotide variant.
Coding change: c.2034C>T on transcript NM_000093.5 (MANE Select); coding-DNA position 2034, C replaced by T.
Protein change: p.Pro678=; no amino-acid change (proline 678 retained).
Molecular consequence: synonymous variant.
Genome position (GRCh38, 1-based): chr9:134,763,737, C>T. VCF-style: chr9-134763737-C-T. GRCh37 (hg19) VCF-style: chr9-137655583-C-T.
Other names: c.2034C>T, p.Pro678= (NM_001278074.1).
Identifiers: ClinVar variation 1518229 (VCV001518229.6), dbSNP rs373100663, ClinGen allele CA5319110.